The following is an entry in ClinVar:

NM_019616.4(F7):c.1172G>A (p.Arg391Gln)

Gene: F7 (coagulation factor VII; plus strand). Cytogenetic location: 13q34.
Variant type: single nucleotide variant.
Coding change: c.1172G>A on transcript NM_019616.4 (MANE Select); coding-DNA position 1172, G replaced by A.
Protein change: p.Arg391Gln; replaces arginine 391 with glutamine.
Molecular consequence: missense variant. On other transcripts: non-coding transcript variant (1).
Genome position (GRCh38, 1-based): chr13:113,118,845, G>A. VCF-style: chr13-113118845-G-A. GRCh37 (hg19) VCF-style: chr13-113773159-G-A.
Other names: F7, ARG353GLN; R353Q; c.1238G>A, p.Arg413Gln (NM_000131.5); c.986G>A, p.Arg329Gln (NM_001267554.2); short protein forms R413Q, R391Q, R329Q.
Identifiers: ClinVar variation 12080 (VCV000012080.16), dbSNP rs6046, ClinGen allele CA121855.

ClinVar aggregate classification (germline): Benign. Review status: criteria provided, multiple submitters, no conflicts (2 of 4 stars). 8 submissions from 8 submitters: Benign (4). 4 of the submissions do not count toward it. Last evaluated 2026-02-02.

Conditions:
Myocardial infarction, decreased susceptibility to.

Allele frequency attached by ClinVar (database versions not stated): gnomAD 0.11103 and 0.11574; gnomAD exomes 0.11614 and 0.12938; TOPMed 0.11908; ExAC 0.13415; 1000 Genomes Project 30x 0.13710; 1000 Genomes Project 0.13838.
gnomAD v4.1: 187,774 of 1,612,500 alleles (12%); highest among the groups gnomAD compares: South Asian, 28%; 12,920 homozygotes.

Submissions (8):

Labcorp Genetics (formerly Invitae), Labcorp
Classification: Benign. Last evaluated: 2026-02-02. Review status: criteria provided, single submitter. Criteria: Invitae Variant Classification Sherloc (09022015). Collection method: clinical testing. Allele origin: germline.

Blueprint Genetics
Classification: Benign. Last evaluated: 2024-11-27. Review status: criteria provided, single submitter. Criteria: ACMG Guidelines, 2015. Collection method: clinical testing. Allele origin: germline.

GeneDx
Classification: Benign. Last evaluated: 2024-03-19. Review status: criteria provided, single submitter. Criteria: GeneDx Variant Classification Process June 2021. Collection method: clinical testing. Allele origin: germline. Affected: yes.
Comment: See Variant Classification Assertion Criteria.

Breakthrough Genomics
Classification: Benign. Review status: criteria provided, single submitter. Criteria: ACMG Guidelines, 2015. Collection method: not provided. Allele origin: germline. Inheritance: Autosomal recessive inheritance. Affected: yes.

OMIM
Classification: risk factor for MYOCARDIAL INFARCTION, DECREASED SUSCEPTIBILITY TO. Last evaluated: 2000-09-14. Review status: no assertion criteria provided. Collection method: literature only. Allele origin: germline. Not counted in ClinVar's aggregate classification.

Diagnostic Laboratory, Department of Genetics, University Medical Center Groningen
Classification: Benign. Review status: no assertion criteria provided. Collection method: clinical testing. Allele origin: germline. Affected: yes. Study: VKGL Data-share Consensus. Not counted in ClinVar's aggregate classification.

Joint Genome Diagnostic Labs from Nijmegen and Maastricht, Radboudumc and MUMC+
Classification: Benign. Review status: no assertion criteria provided. Collection method: clinical testing. Allele origin: germline. Affected: yes. Study: VKGL Data-share Consensus. Not counted in ClinVar's aggregate classification.

PreventionGenetics, part of Exact Sciences
Classification: Likely risk allele. Last evaluated: 2025-04-30. Review status: flagged submission. Criteria: ACMG Guidelines, 2015. Collection method: clinical testing. Allele origin: germline. Not counted in ClinVar's aggregate classification.
Comment: This is a frequently occurring variant found in either the heterozygous or homozygous state in many individuals who are not affected by factor VII (FVII) deficiency. Data from several studies suggest the p.Arg413Gln (aka p.Arg353Gln) substitution is associated with decreased plasma levels of Factor VII (Arbini. 1994. PubMed ID: 7919338; Lane et al. 1996. PubMed ID: 8929253; Ken-Dror et al. 2010. PubMed ID: 20735728). Some reports suggest the p.Arg413Gln variant is associated with increased risk of myocardial infarction / coronary heart disease (Mo et al. 2011. PubMed ID: 21838885), while a recent Meta analysis suggests p.Arg413Gln is NOT associated with myocardial infarction (Huang et al. 2018. PubMed ID: 30278561). Taken together, data suggest the p.Arg413Gln variant is associated with decreased levels of FVII; while it is not directly pathogenic it may contribute to the consequence of co-inherited variants (Giansily-Blaizot et al. 2020. PubMed ID: 32333443) which may include modulating the effect of variants in other genes such as F8 and F9 (Jayandharan et al. 2009. PubMed ID: 19686262). In this context, we consider the p.Arg413Gln substitution a risk allele.
ClinVar note: Reason: Outlier claim with insufficient supporting evidence

Literature cited by the submitters: PubMed 10984565 (cited by OMIM).